The following is an entry in ClinVar:

NM_001244008.2(KIF1A):c.3029C>T (p.Ala1010Val)

Gene: KIF1A (kinesin family member 1A; minus strand). Cytogenetic location: 2q37.3.
Variant type: single nucleotide variant.
Coding change: c.3029C>T on transcript NM_001244008.2 (MANE Select); coding-DNA position 3029, C replaced by T.
Protein change: p.Ala1010Val; replaces alanine 1010 with valine.
Molecular consequence: missense variant.
Genome position (GRCh38, 1-based): chr2:240,747,270, G>A on the plus strand (C>T on the coding strand, the complement: KIF1A is on the minus strand). VCF-style: chr2-240747270-G-A. GRCh37 (hg19) VCF-style: chr2-241686687-G-A.
Other names: c.2753C>T, p.Ala918Val (NM_001320705.2, NM_001330289.2, NM_001379638.1); c.2828C>T, p.Ala943Val (NM_001330290.2, NM_001379634.1, NM_001379635.1 and 1 more transcripts); c.3104C>T, p.Ala1035Val (NM_001379631.1); c.2978C>T, p.Ala993Val (NM_001379632.1); c.3002C>T, p.Ala1001Val (NM_001379633.1, NM_001379642.1, NM_001379645.1); c.2726C>T, p.Ala909Val (NM_001379636.1, NM_001379639.1, NM_001379640.1 and 7 more transcripts); c.2801C>T, p.Ala934Val (NM_001379637.1, NM_001379648.1); short protein forms A1001V, A1010V, A1035V, A909V, A918V, A934V, A943V, A993V.
Identifiers: ClinVar variation 1718744 (VCV001718744.6), dbSNP rs2537327067, ClinGen allele CA351319267.
Genomic context (GRCh38, chr2:240,747,270, plus strand): 5'-CTGGGACTCGGGAGGGAGCTTGGTACCTTTTCAAAATGCTGGTCATCAAAGGAGATTTTA[G>A]CAGTTCCCGACTGGCGGACGCCAGAGCCATAATCAGGGGCCTCTTCATCGGCTGCAGGAG-3'
Protein context (NP_001230937.1, residues 1000-1020): YGSGVRQSGT[Ala1010Val]KISFDDQHFE

ClinVar aggregate classification (germline): Uncertain significance (1 of 4 stars; one submission).

Conditions:
Hereditary spastic paraplegia 30. Identifiers: Orphanet 101010, MedGen C5235139, MONDO:0012476.
Neuropathy, hereditary sensory, type 2C. Also called: Hereditary sensory and autonomic neuropathy type IIC; KIF1A-Related HSAN2 (HSAN2C). Identifiers: Orphanet 970, MedGen C3280168, MONDO:0013634, OMIM 614213.
Intellectual disability, autosomal dominant 9 (NESCAVS). Also called: NESCAV SYNDROME; KIF1A-Related Neurodevelopmental Disorder. Identifiers: Orphanet 662367, MedGen C5393830, MONDO:0013656, OMIM 614255.

Submission:

Labcorp Genetics (formerly Invitae), Labcorp
Classification: Uncertain significance for Hereditary spastic paraplegia 30; Neuropathy, hereditary sensory, type 2C; Intellectual disability, autosomal dominant 9. Last evaluated: 2022-09-03. Review status: criteria provided, single submitter. Criteria: Invitae Variant Classification Sherloc (09022015). Collection method: clinical testing. Allele origin: germline.
Comment: This sequence change replaces alanine, which is neutral and non-polar, with valine, which is neutral and non-polar, at codon 909 of the KIF1A protein (p.Ala909Val). This variant is not present in population databases (gnomAD no frequency). This variant has not been reported in the literature in individuals affected with KIF1A-related conditions. Algorithms developed to predict the effect of missense changes on protein structure and function are either unavailable or do not agree on the potential impact of this missense change (SIFT: "Deleterious"; PolyPhen-2: "Benign"; Align-GVGD: "Class C55"). In summary, the available evidence is currently insufficient to determine the role of this variant in disease. Therefore, it has been classified as a Variant of Uncertain Significance.